The following is an entry in ClinVar:

ClinVar aggregate classification (germline): Uncertain significance (1 of 4 stars; one submission).

Conditions:
Vitamin B2 deficiency. Identifiers: MedGen C0035528.

Allele frequency attached by ClinVar (database versions not stated): 1000 Genomes Project 30x 0.00062; 1000 Genomes Project 0.00020.
gnomAD v4.1: 39 of 1,612,056 alleles (0.0024%); highest among the groups gnomAD compares: Admixed American, 0.065%; no homozygotes.

Submission:

Labcorp Genetics (formerly Invitae), Labcorp
Classification: Uncertain significance for Vitamin B2 deficiency. Last evaluated: 2024-11-11. Review status: criteria provided, single submitter. Criteria: Invitae Variant Classification Sherloc (09022015). Collection method: clinical testing. Allele origin: germline.
Comment: This sequence change replaces alanine, which is neutral and non-polar, with proline, which is neutral and non-polar, at codon 331 of the SLC52A1 protein (p.Ala331Pro). This variant is present in population databases (rs184838357, gnomAD 0.1%), and has an allele count higher than expected for a pathogenic variant. This variant has not been reported in the literature in individuals affected with SLC52A1-related conditions. ClinVar contains an entry for this variant (Variation ID: 2052388). Invitae Evidence Modeling of protein sequence and biophysical properties (such as structural, functional, and spatial information, amino acid conservation, physicochemical variation, residue mobility, and thermodynamic stability) indicates that this missense variant is not expected to disrupt SLC52A1 protein function with a negative predictive value of 80%. In summary, the available evidence is currently insufficient to determine the role of this variant in disease. Therefore, it has been classified as a Variant of Uncertain Significance.

NM_017986.4(SLC52A1):c.991G>C (p.Ala331Pro)

Gene: SLC52A1 (solute carrier family 52 member 1; minus strand). Cytogenetic location: 17p13.2.
Variant type: single nucleotide variant.
Coding change: c.991G>C on transcript NM_017986.4 (MANE Select); coding-DNA position 991, G replaced by C.
Protein change: p.Ala331Pro; replaces alanine 331 with proline.
Molecular consequence: missense variant.
Genome position (GRCh38, 1-based): chr17:5,033,498, C>G on the plus strand (G>C on the coding strand, the complement: SLC52A1 is on the minus strand). VCF-style: chr17-5033498-C-G. GRCh37 (hg19) VCF-style: chr17-4936793-C-G.
Other names: c.991G>C, p.Ala331Pro (NM_001104577.2); short protein forms A331P.
Identifiers: ClinVar variation 2052388 (VCV002052388.4), dbSNP rs184838357, ClinGen allele CA8319670.